The following is an entry in ClinVar:

ClinVar aggregate classification (germline): Uncertain significance (1 of 4 stars; one submission).

Conditions:
Inborn genetic diseases. Identifiers: MedGen C0950123, MeSH D030342.

Submission:

Ambry Genetics
Classification: Uncertain significance for Inborn genetic diseases. Last evaluated: 2026-03-06. Review status: criteria provided, single submitter. Criteria: Ambry Variant Classification Scheme 2023. Collection method: clinical testing. Allele origin: germline.
Comment: The p.E195A variant (also known as c.584A>C), located in coding exon 5 of the G6PC3 gene, results from an A to C substitution at nucleotide position 584. The glutamic acid at codon 195 is replaced by alanine, an amino acid with dissimilar properties. This amino acid position is conserved. In addition, this alteration is predicted to be tolerated by in silico analysis. Based on the available evidence, the clinical significance of this variant remains unclear.

NM_138387.4(G6PC3):c.584A>C (p.Glu195Ala)

Gene: G6PC3 (glucose-6-phosphatase catalytic subunit 3; plus strand). Cytogenetic location: 17q21.31.
Variant type: single nucleotide variant.
Coding change: c.584A>C on transcript NM_138387.4 (MANE Select); coding-DNA position 584, A replaced by C.
Protein change: p.Glu195Ala; replaces glutamic acid 195 with alanine.
Molecular consequence: missense variant. On other transcripts: synonymous variant (1).
Genome position (GRCh38, 1-based): chr17:44,075,358, A>C. VCF-style: chr17-44075358-A-C. GRCh37 (hg19) VCF-style: chr17-42152726-A-C.
Other names: c.465A>C, p.Gly155= (NM_001319945.2); c.239A>C, p.Glu80Ala (NM_001384165.1, NM_001384166.1, NM_001384167.1 and 1 more transcripts); short protein forms E195A, E80A.
Identifiers: ClinVar variation 4827624 (VCV004827624.1).